The following is an entry in ClinVar:

ClinVar aggregate classification (germline): Uncertain significance (1 of 4 stars; one submission).

Conditions:
Combined immunodeficiency due to LRBA deficiency. Also called: Common variable immunodeficiency 8, with autoimmunity. Identifiers: Orphanet 445018, MedGen C3553512, MONDO:0013863, OMIM 614700.

Allele frequency attached by ClinVar (database versions not stated): gnomAD 0.00001 and 0.00002; gnomAD exomes 0.00001; ExAC 0.00002; ESP Exome Variant Server 0.00008; 1000 Genomes Project 0.00040; 1000 Genomes Project 30x 0.00047.
gnomAD v4.1: 16 of 1,613,364 alleles (0.00099%); highest among the groups gnomAD compares: African/African-American, 0.0067%; no homozygotes.

Submission:

Labcorp Genetics (formerly Invitae), Labcorp
Classification: Uncertain significance for Combined immunodeficiency due to LRBA deficiency. Last evaluated: 2021-02-15. Review status: criteria provided, single submitter. Criteria: Invitae Variant Classification Sherloc (09022015). Collection method: clinical testing. Allele origin: germline.
Comment: In summary, the available evidence is currently insufficient to determine the role of this variant in disease. Therefore, it has been classified as a Variant of Uncertain Significance. Algorithms developed to predict the effect of sequence changes on RNA splicing suggest that this variant may create or strengthen a splice site, but this prediction has not been confirmed by published transcriptional studies. Algorithms developed to predict the effect of missense changes on protein structure and function (SIFT, PolyPhen-2, Align-GVGD) all suggest that this variant is likely to be tolerated, but these predictions have not been confirmed by published functional studies and their clinical significance is uncertain. This variant has not been reported in the literature in individuals with LRBA-related conditions. This variant is present in population databases (rs190199103, ExAC 0.01%). This sequence change replaces asparagine with serine at codon 1310 of the LRBA protein (p.Asn1310Ser). The asparagine residue is weakly conserved and there is a small physicochemical difference between asparagine and serine.

NM_001364905.1(LRBA):c.3929A>G (p.Asn1310Ser)

Gene: LRBA (LPS responsive beige-like anchor protein; minus strand). Cytogenetic location: 4q31.3.
Variant type: single nucleotide variant.
Coding change: c.3929A>G on transcript NM_001364905.1 (MANE Select); coding-DNA position 3929, A replaced by G.
Protein change: p.Asn1310Ser; replaces asparagine 1310 with serine.
Molecular consequence: missense variant.
Genome position (GRCh38, 1-based): chr4:150,850,799, T>C on the plus strand (A>G on the coding strand, the complement: LRBA is on the minus strand). VCF-style: chr4-150850799-T-C. GRCh37 (hg19) VCF-style: chr4-151771951-T-C.
Other names: c.3929A>G, p.Asn1310Ser (NM_001199282.3, NM_001367550.1, NM_006726.5); short protein forms N1310S.
Identifiers: ClinVar variation 1510472 (VCV001510472.6), dbSNP rs190199103, ClinGen allele CA3102948.
Genomic context (GRCh38, chr4:150,850,799, plus strand): 5'-ATATCTGTTTCTATTGAAAATAATAGATCAGTGAGCAAACGTTGATGCATCTGAGACCAG[T>C]TGAACTCAGGAATACGAAACACAGTAGATCTGGAATCCCTCCTTTGTCCATTAACTGCAT-3'
Protein context (NP_001351834.1, residues 1300-1320): RSTVFRIPEF[Asn1310Ser]WSQMHQRLLT